The following is an entry in ClinVar:

NM_001350451.2(RBFOX3):c.755C>A (p.Ala252Glu)

Gene: RBFOX3 (RNA binding fox-1 homolog 3; minus strand). Cytogenetic location: 17q25.3.
Variant type: single nucleotide variant.
Coding change: c.755C>A on transcript NM_001350451.2 (MANE Select); coding-DNA position 755, C replaced by A.
Protein change: p.Ala252Glu; replaces alanine 252 with glutamic acid.
Molecular consequence: missense variant.
Genome position (GRCh38, 1-based): chr17:79,097,292, G>T on the plus strand (C>A on the coding strand, the complement: RBFOX3 is on the minus strand). VCF-style: chr17-79097292-G-T. GRCh37 (hg19) VCF-style: chr17-77093374-G-T.
Other names: c.755C>A, p.Ala252Glu (NM_001082575.3, NM_001350453.2, NM_001385804.1 and 33 more transcripts); c.752C>A, p.Ala251Glu (NM_001385806.1, NM_001385822.1, NM_001385823.1 and 4 more transcripts); c.662C>A, p.Ala221Glu (NM_001385824.1); c.776C>A, p.Ala259Glu (NM_001385827.1); c.608C>A, p.Ala203Glu (NM_001385847.1); short protein forms A251E, A203E, A259E, A252E, A221E.
Identifiers: ClinVar variation 2189407 (VCV002189407.4), dbSNP rs1406138161, ClinGen allele CA401316357.

ClinVar aggregate classification (germline): Uncertain significance (1 of 4 stars; one submission).

Conditions:
Idiopathic generalized epilepsy. Also called: EIG; Generalised epilepsy. Identifiers: MedGen C0270850, MONDO:0005579, OMIM 600669.

Allele frequency attached by ClinVar (database versions not stated): gnomAD 0.00001.

Submission:

Labcorp Genetics (formerly Invitae), Labcorp
Classification: Uncertain significance for Idiopathic generalized epilepsy. Last evaluated: 2022-09-06. Review status: criteria provided, single submitter. Criteria: Invitae Variant Classification Sherloc (09022015). Collection method: clinical testing. Allele origin: germline.
Comment: In summary, the available evidence is currently insufficient to determine the role of this variant in disease. Therefore, it has been classified as a Variant of Uncertain Significance. Algorithms developed to predict the effect of missense changes on protein structure and function are either unavailable or do not agree on the potential impact of this missense change (SIFT: "Tolerated"; PolyPhen-2: "Possibly Damaging"; Align-GVGD: "Class C15"). This variant has not been reported in the literature in individuals affected with RBFOX3-related conditions. This variant is present in population databases (no rsID available, gnomAD 0.01%). This sequence change replaces alanine, which is neutral and non-polar, with glutamic acid, which is acidic and polar, at codon 252 of the RBFOX3 protein (p.Ala252Glu).